The following is an entry in ClinVar:

NM_018122.5(DARS2):c.128-5T>A

Gene: DARS2 (aspartyl-tRNA synthetase 2, mitochondrial; plus strand). Cytogenetic location: 1q25.1.
Variant type: single nucleotide variant.
Coding change: c.128-5T>A on transcript NM_018122.5 (MANE Select); 5 bases into the intron before coding-DNA position 128, T replaced by A.
Molecular consequence: intron variant.
Genome position (GRCh38, 1-based): chr1:173,826,682, T>A. VCF-style: chr1-173826682-T-A. GRCh37 (hg19) VCF-style: chr1-173795820-T-A.
Other names: c.128-5T>A (NM_001365212.1, NM_001365213.2).
Identifiers: ClinVar variation 293813 (VCV000293813.19), dbSNP rs200078808, ClinGen allele CA1250007.

ClinVar aggregate classification (germline): Benign/Likely benign. Review status: criteria provided, multiple submitters, no conflicts (2 of 4 stars). 7 submissions from 7 submitters: Benign (2); Likely benign (4). 1 of the submissions does not count toward it. Last evaluated 2026-01-06.

Conditions:
DARS2-related disorder. Also called: DARS2-related condition.
Leukoencephalopathy with brain stem and spinal cord involvement-high lactate syndrome (LBSL). Also called: MITOCHONDRIAL ASPARTYL-tRNA SYNTHETASE DEFICIENCY; LEUKOENCEPHALOPATHY WITH BRAINSTEM AND SPINAL CORD INVOLVEMENT AND LACTATE ELEVATION, MILD; Leukoencephalopathy with Brainstem and Spinal Cord Involvement and Lactate Elevation. Identifiers: Orphanet 137898, MedGen C1970180, MONDO:0012622, OMIM 611105.

Allele frequency attached by ClinVar (database versions not stated): 1000 Genomes Project 0.05132; 1000 Genomes Project 30x 0.00016; gnomAD exomes 0.00058 and 0.00112; TOPMed 0.00077; gnomAD 0.00082 and 0.00084; ExAC 0.00100.
gnomAD v4.1: 995 of 1,548,580 alleles (0.064%); highest among the groups gnomAD compares: Admixed American, 0.17%; 5 homozygotes.

Submissions (11):

Labcorp Genetics (formerly Invitae), Labcorp
Classification: Benign. Last evaluated: 2026-01-06. Review status: criteria provided, single submitter. Criteria: Invitae Variant Classification Sherloc (09022015). Collection method: clinical testing. Allele origin: germline.

Blueprint Genetics
Classification: Likely benign. Last evaluated: 2024-09-09. Review status: criteria provided, single submitter. Criteria: ACMG Guidelines, 2015. Collection method: clinical testing. Allele origin: germline.

Genome-Nilou Lab
Classification: Benign for Leukoencephalopathy with brain stem and spinal cord involvement-high lactate syndrome. Last evaluated: 2023-04-11. Review status: criteria provided, single submitter. Criteria: ACMG Guidelines, 2015. Collection method: clinical testing. Allele origin: germline. Affected: no.

GeneDx
Classification: Likely benign. Last evaluated: 2017-11-08. Review status: criteria provided, single submitter. Criteria: GeneDx Variant Classification (06012015). Collection method: clinical testing. Allele origin: germline. Affected: yes.
Comment: This variant is considered likely benign or benign based on one or more of the following criteria: it is a conservative change, it occurs at a poorly conserved position in the protein, it is predicted to be benign by multiple in silico algorithms, and/or has population frequency not consistent with disease.

Illumina Laboratory Services, Illumina
Classification: Likely benign for Leukoencephalopathy with brain stem and spinal cord involvement-high lactate syndrome. Last evaluated: 2017-04-27. Review status: criteria provided, single submitter. Criteria: ICSL Variant Classification Criteria 13 December 2019. Collection method: clinical testing. Allele origin: germline.
Comment: This variant was observed as part of a predisposition screen in an ostensibly healthy population. A literature search was performed for the gene, cDNA change, and amino acid change (where applicable). No publications were found based on this search. Allele frequency data from public databases allowed determination this variant is unlikely to cause disease. Therefore, this variant is classified as likely benign.

Breakthrough Genomics
Classification: Likely benign. Review status: criteria provided, single submitter. Criteria: ACMG Guidelines, 2015. Collection method: not provided. Allele origin: germline. Inheritance: Autosomal recessive inheritance. Affected: yes.

PreventionGenetics, part of Exact Sciences
Classification: Benign for DARS2-related condition. Last evaluated: 2019-09-26. Review status: no assertion criteria provided. Collection method: clinical testing. Allele origin: germline. Not counted in ClinVar's aggregate classification.
Comment: This variant is classified as benign based on ACMG/AMP sequence variant interpretation guidelines (Richards et al. 2015 PMID: 25741868, with internal and published modifications).

Dr. Peter K. Rogan Lab, Western University
No classification provided (evidence only). Condition: Familial cancer of breast. Review status: no classification provided. Collection method: in vitro. Allele origin: not applicable. Functional consequence: retained intron. Not counted in ClinVar's aggregate classification.

Dr. Peter K. Rogan Lab, Western University
No classification provided (evidence only). Condition: Familial cancer of breast. Review status: no classification provided. Collection method: in vitro. Allele origin: not applicable. Functional consequence: retained intron. Not counted in ClinVar's aggregate classification.

Dr. Peter K. Rogan Lab, Western University
No classification provided (evidence only). Condition: Uterine corpus endometrial carcinoma. Review status: no classification provided. Collection method: in vitro. Allele origin: not applicable. Functional consequence: retained intron. Not counted in ClinVar's aggregate classification.

Dr. Peter K. Rogan Lab, Western University
No classification provided (evidence only). Condition: Chronic lymphocytic leukemia/small lymphocytic lymphoma. Review status: no classification provided. Collection method: in vitro. Allele origin: not applicable. Functional consequence: retained intron. Not counted in ClinVar's aggregate classification.